The following is an entry in ClinVar:

ClinVar aggregate classification (germline): Uncertain significance. Review status: criteria provided, multiple submitters, no conflicts (2 of 4 stars). 3 submissions from 3 submitters: Uncertain significance (3). Last evaluated 2024-07-24.

Conditions:
Bloom syndrome (BLM). Also called: Bloom-Torre-Machacek syndrome. Identifiers: Orphanet 125, MedGen C0005859, MONDO:0008876, OMIM 210900.
Hereditary cancer-predisposing syndrome. Also called: Neoplastic Syndromes, Hereditary; Hereditary neoplastic syndrome; Hereditary Cancer Syndrome; Tumor predisposition. Identifiers: Orphanet 140162, MedGen C0027672, MeSH D009386, MONDO:0015356.

Submissions (3):

Ambry Genetics
Classification: Uncertain significance for Hereditary cancer-predisposing syndrome. Last evaluated: 2024-07-24. Review status: criteria provided, single submitter. Criteria: Ambry Variant Classification Scheme 2023. Collection method: clinical testing. Allele origin: germline.
Comment: The p.D564V variant (also known as c.1691A>T), located in coding exon 6 of the BLM gene, results from an A to T substitution at nucleotide position 1691. The aspartic acid at codon 564 is replaced by valine, an amino acid with highly dissimilar properties. This amino acid position is conserved. In addition, this alteration is predicted to be tolerated by in silico analysis. Based on the available evidence, the clinical significance of this variant remains unclear.

Labcorp Genetics (formerly Invitae), Labcorp
Classification: Uncertain significance for Bloom syndrome. Last evaluated: 2022-02-09. Review status: criteria provided, single submitter. Criteria: Invitae Variant Classification Sherloc (09022015). Collection method: clinical testing. Allele origin: germline.
Comment: In summary, the available evidence is currently insufficient to determine the role of this variant in disease. Therefore, it has been classified as a Variant of Uncertain Significance. Algorithms developed to predict the effect of missense changes on protein structure and function are either unavailable or do not agree on the potential impact of this missense change (SIFT: "Tolerated"; PolyPhen-2: "Probably Damaging"; Align-GVGD: "Class C0"). ClinVar contains an entry for this variant (Variation ID: 1195930). This variant has not been reported in the literature in individuals affected with BLM-related conditions. This variant is not present in population databases (gnomAD no frequency). This sequence change replaces aspartic acid, which is acidic and polar, with valine, which is neutral and non-polar, at codon 564 of the BLM protein (p.Asp564Val).

Genome-Nilou Lab
Classification: Uncertain significance for Bloom syndrome. Last evaluated: 2021-07-14. Review status: criteria provided, single submitter. Criteria: ACMG Guidelines, 2015. Collection method: clinical testing. Allele origin: germline. Affected: no.

NM_000057.4(BLM):c.1691A>T (p.Asp564Val)

Gene: BLM (BLM RecQ like helicase; plus strand). Cytogenetic location: 15q26.1.
Variant type: single nucleotide variant.
Coding change: c.1691A>T on transcript NM_000057.4 (MANE Select); coding-DNA position 1691, A replaced by T.
Protein change: p.Asp564Val; replaces aspartic acid 564 with valine.
Molecular consequence: missense variant.
Genome position (GRCh38, 1-based): chr15:90,761,064, A>T. VCF-style: chr15-90761064-A-T. GRCh37 (hg19) VCF-style: chr15-91304294-A-T.
Other names: c.1691A>T, p.Asp564Val (NM_001287246.2, NM_001287247.2); c.566A>T, p.Asp189Val (NM_001287248.2); c.1691A>T (NM_000057.2); short protein forms D189V, D564V.
Identifiers: ClinVar variation 1195930 (VCV001195930.10), dbSNP rs1555419944, ClinGen allele CA393843630.